The following is an entry in ClinVar:

NM_001298.3(CNGA3):c.682G>A (p.Glu228Lys)

Gene: CNGA3 (cyclic nucleotide gated channel subunit alpha 3; plus strand). Cytogenetic location: 2q11.2.
Variant type: single nucleotide variant.
Coding change: c.682G>A on transcript NM_001298.3 (MANE Select); coding-DNA position 682, G replaced by A.
Protein change: p.Glu228Lys; replaces glutamic acid 228 with lysine.
Molecular consequence: missense variant.
Genome position (GRCh38, 1-based): chr2:98,395,852, G>A. VCF-style: chr2-98395852-G-A. GRCh37 (hg19) VCF-style: chr2-99012315-G-A.
Other names: c.628G>A, p.Glu210Lys (NM_001079878.2); short protein forms E228K, E210K.
Identifiers: ClinVar variation 337659 (VCV000337659.24), dbSNP rs147415641, ClinGen allele CA1793876.
Genomic context (GRCh38, chr2:98,395,852, plus strand): 5'-TCAAAAAAAGTCAGCCTCTGTGATGCCCAATGACCTCCATCTTCTTCTTTAGGTTTTCTC[G>A]AGCAAGGCTTAATGGTCAGTGATACCAACAGGCTGTGGCAGCATTACAAGACGACCACGC-3'
Protein context (NP_001289.1, residues 218-238): VLVRARTGFL[Glu228Lys]QGLMVSDTNR

ClinVar aggregate classification (germline): Conflicting classifications of pathogenicity. Review status: criteria provided, conflicting classifications (1 of 4 stars). 10 submissions from 10 submitters: Pathogenic (1); Likely pathogenic (1); Uncertain significance (4); Benign (1); Likely benign (2). 1 of the submissions does not count toward it. Last evaluated 2026-03-03.

Conditions:
Achromatopsia 2 (ACHM2). Also called: ROD MONOCHROMACY 2; ROD MONOCHROMATISM 2; COLORBLINDNESS, TOTAL. Identifiers: Orphanet 49382, MedGen C1857618, MONDO:0009003, OMIM 216900.
CNGA3-related disorder. Also called: CNGA3-related condition.
Retinal dystrophy. Also called: Inherited retinal dystrophy. Identifiers: HP:0000556, Orphanet 71862, MedGen C0854723, MeSH D058499, MONDO:0019118.
Achromatopsia. Also called: Rod monochromatism. Identifiers: Orphanet 49382, MedGen C0152200, MONDO:0018852, HP:0011516.

Allele frequency attached by ClinVar (database versions not stated): ESP Exome Variant Server 0.00038; gnomAD 0.00049 and 0.00086; TOPMed 0.00064; 1000 Genomes Project 0.00120; 1000 Genomes Project 30x 0.00125; gnomAD exomes 0.00137; ExAC 0.00155.

Submissions (10):

PreventionGenetics, part of Exact Sciences
Classification: Likely benign for CNGA3-related condition. Last evaluated: 2026-03-03. Review status: criteria provided, single submitter. Criteria: ACMG Guidelines, 2015. Collection method: clinical testing. Allele origin: germline.
Comment: This variant is classified as likely benign based on ACMG/AMP sequence variant interpretation guidelines (Richards et al. 2015 PMID: 25741868, with internal and published modifications).

Labcorp Genetics (formerly Invitae), Labcorp
Classification: Benign. Last evaluated: 2026-01-14. Review status: criteria provided, single submitter. Criteria: Invitae Variant Classification Sherloc (09022015). Collection method: clinical testing. Allele origin: germline.

Blueprint Genetics
Classification: Uncertain significance. Last evaluated: 2024-09-18. Review status: criteria provided, single submitter. Criteria: ACMG Guidelines, 2015. Collection method: clinical testing. Allele origin: germline.

Women's Health and Genetics/Laboratory Corporation of America, LabCorp
Classification: Uncertain significance. Last evaluated: 2023-06-07. Review status: criteria provided, single submitter. Criteria: LabCorp Variant Classification Summary - May 2015. Collection method: clinical testing. Allele origin: germline.
Comment: Variant summary: CNGA3 c.682G>A (p.Glu228Lys) results in a conservative amino acid change located in the Ion transport domain (IPR005821) of the encoded protein sequence. Three of five in-silico tools predict a damaging effect of the variant on protein function. The variant allele was found at a frequency of 0.0014 in 251304 control chromosomes in the gnomAD database, including 2 homozygotes. c.682G>A was found in homozygous state in two siblings with incomplete Achromatopsia (Reuter_ 2008), and in individuals affected with cone dystrophy (Thiadens _2010 and Hitti-malin_CNGA3_HM_2022). In at-least, one of these individuals affected with cone dystrophy authors reported a homozygous variant in CNGB3 (Thiadens _2010). These report(s) do not provide unequivocal conclusions about association of the variant with Achromatopsia 2. At least one publication reports experimental evidence evaluating an impact on protein function. However, it does not provide strong conclusions about the variant association with the disease (Reuter_ 2008). The following publications have been ascertained in the context of this evaluation (PMID: 22995991, 30418171, 36259723, 27535533, 18521937, 26036949, 31456290, 32913385, 20079539). Five clinical diagnostic laboratories have submitted clinical-significance assessments for this variant to ClinVar after 2014 and classified the variant as benign/likely benign (n=2), pathogenic/likely pathogenic (n=2) and as uncertain significance (n=1). Based on the evidence outlined above, the variant was classified as uncertain significance.

Institute of Human Genetics, Univ. Regensburg, Univ. Regensburg
Classification: Likely pathogenic for Retinal dystrophy. Last evaluated: 2022-01-01. Review status: criteria provided, single submitter. Criteria: ACMG Guidelines, 2015. Collection method: clinical testing. Allele origin: germline. Affected: yes.

Department of Pathology and Laboratory Medicine, Sinai Health System
Classification: Uncertain significance for Achromatopsia 2. Last evaluated: 2021-10-13. Review status: criteria provided, single submitter. Criteria: ACMG Guidelines, 2015. Collection method: research. Allele origin: germline.

Eurofins Ntd Llc (ga)
Classification: Likely benign. Last evaluated: 2018-06-27. Review status: criteria provided, single submitter. Criteria: EGL ClinVar v180209 classification definitions. Collection method: clinical testing. Allele origin: germline. Observed: 1 variant allele, 1 heterozygote.

Molecular Genetics Laboratory, Institute for Ophthalmic Research
Classification: Pathogenic for Achromatopsia. Last evaluated: 2018-03-20. Review status: criteria provided, single submitter. Criteria: ACMG Guidelines, 2015. Collection method: research. Allele origin: germline. Affected: yes.

Broad Center for Mendelian Genomics, Broad Institute of MIT and Harvard
Classification: Uncertain significance for Achromatopsia 2. Review status: criteria provided, single submitter. Criteria: ACMG Guidelines, 2015. Collection method: research. Allele origin: germline. Inheritance: Autosomal recessive inheritance. Affected: yes.
Comment: The homozygous p.Glu228Lys variant in CNGA3 has been identified in 2 siblings from 1 family with incomplete achromatopsia and in the heterozygous state in an individual with a different eye phenotype and other missense variants (PMID: 18521937, 20079539), and has been identified in >1% of South Asian chromosomes and a homozygote by ExAC. Please note that for diseases with clinical variability, or reduced penetrance, pathogenic variants may be present at a low frequency in the general population. In vitro functional studies provide some evidence that the p.Glu228Lys variant may slightly impact protein function (PMID: 18521937). However, these types of assays may not accurately represent biological function. In summary, the clinical significance of this variant is uncertain.

Sharon lab, Hadassah-Hebrew University Medical Center
Classification: Likely pathogenic for achromatopsia. Last evaluated: 2019-06-23. Review status: no assertion criteria provided. Collection method: research. Allele origin: inherited. Affected: yes. Not counted in ClinVar's aggregate classification.

Literature cited by the submitters: PubMed 22995991 (cited by 3 submitters); PubMed 27535533 (cited by Women's Health and Genetics/Laboratory Corporation of America, LabCorp and Institute of Human Genetics, Univ. Regensburg, Univ. Regensburg); PubMed 31456290 (cited by Women's Health and Genetics/Laboratory Corporation of America, LabCorp and Institute of Human Genetics, Univ. Regensburg, Univ. Regensburg); PubMed 30418171 (cited by Women's Health and Genetics/Laboratory Corporation of America, LabCorp and Institute of Human Genetics, Univ. Regensburg, Univ. Regensburg); PubMed 32913385 (cited by Women's Health and Genetics/Laboratory Corporation of America, LabCorp); PubMed 36259723 (cited by Women's Health and Genetics/Laboratory Corporation of America, LabCorp and Institute of Human Genetics, Univ. Regensburg, Univ. Regensburg); PubMed 18521937 (cited by 3 submitters); PubMed 26036949 (cited by Women's Health and Genetics/Laboratory Corporation of America, LabCorp); PubMed 20079539 (cited by 4 submitters); PubMed 34426522 (cited by Institute of Human Genetics, Univ. Regensburg, Univ. Regensburg).